The following is an entry in ClinVar:

NM_153676.4(USH1C):c.248+7_248+20del

Gene: USH1C (USH1 protein network component harmonin; minus strand). Cytogenetic location: 11p15.1.
Variant type: Deletion.
Coding change: c.248+7_248+20del on transcript NM_153676.4 (MANE Select); bases 7 to 20 of the intron after coding-DNA position 248, 14 bases deleted (AGGAAGCCACCAGG).
Molecular consequence: intron variant.
Genome position (GRCh38, 1-based): chr11:17,531,379-17,531,392, CCTGGTGGCTTCCT deleted on the plus strand (AGGAAGCCACCAGG on the coding strand, the reverse complement: USH1C is on the minus strand); deleting any 14 consecutive bases within chr11:17,531,379-17,531,393 gives the same sequence; the c. name uses the placement nearest the transcript's 3' end. VCF-style (leftmost placement, unchanged base first): chr11-17531378-GCCTGGTGGCTTCCT-G. GRCh37 (hg19) VCF-style: chr11-17552925-GCCTGGTGGCTTCCT-G.
Other names: c.248+7_248+20del (NM_001297764.2, NM_005709.4).
Identifiers: ClinVar variation 228195 (VCV000228195.13), dbSNP rs749047869, ClinGen allele CA5905127.

ClinVar aggregate classification (germline): Likely benign. Review status: criteria provided, multiple submitters, no conflicts (2 of 4 stars). 2 submissions from 2 submitters: Likely benign (2). Last evaluated 2024-02-17.

Submissions (2):

Labcorp Genetics (formerly Invitae), Labcorp
Classification: Likely benign. Last evaluated: 2024-02-17. Review status: criteria provided, single submitter. Criteria: Invitae Variant Classification Sherloc (09022015). Collection method: clinical testing. Allele origin: germline.

Laboratory for Molecular Medicine, Mass General Brigham Personalized Medicine
Classification: Likely benign. Last evaluated: 2015-04-22. Review status: criteria provided, single submitter. Criteria: LMM Criteria. Collection method: clinical testing. Allele origin: germline. Observed: 1 variant allele.
Comment: c.248+7_248+20del in intron 3 of USH1C: This variant is not expected to have cl inical significance because it is not located within the splice consensus sequen ce and it is not predicted to impact splicing.